The following is an entry in ClinVar:

ClinVar aggregate classification (germline): Benign/Likely benign. Review status: criteria provided, multiple submitters, no conflicts (2 of 4 stars). 14 submissions from 13 submitters: Benign (10); Likely benign (1). 3 of the submissions do not count toward it. Last evaluated 2026-02-04.

Conditions:
Dyskeratosis congenita, autosomal recessive 5 (DKCB5). Identifiers: MedGen C3554656, MONDO:0014076, OMIM 615190.
Pulmonary fibrosis and/or bone marrow failure, Telomere-related, 3. Also called: PULMONARY FIBROSIS AND/OR BONE MARROW FAILURE SYNDROME, TELOMERE-RELATED, 3. Identifiers: Orphanet 2032, MedGen C4225346, MONDO:0014613, OMIM 616373.
Dyskeratosis congenita. Identifiers: Orphanet 1775, MedGen C0265965, MONDO:0015780.

Allele frequency attached by ClinVar (database versions not stated): 1000 Genomes Project 0.69609; 1000 Genomes Project 30x 0.70253; gnomAD exomes 0.73647 and 0.75328; ExAC 0.74108; TOPMed 0.78266; gnomAD 0.78521 and 0.79477; ESP Exome Variant Server 0.80817.
gnomAD v4.1: 1,213,852 of 1,605,792 alleles (76%); highest among the groups gnomAD compares: African/African-American, 88%; 465,069 homozygotes.

Submissions (14):

Labcorp Genetics (formerly Invitae), Labcorp
Classification: Benign for Dyskeratosis congenita, autosomal recessive 5; Pulmonary fibrosis and/or bone marrow failure, Telomere-related, 3. Last evaluated: 2026-02-04. Review status: criteria provided, single submitter. Criteria: Invitae Variant Classification Sherloc (09022015). Collection method: clinical testing. Allele origin: germline.

ARUP Laboratories, Molecular Genetics and Genomics, ARUP Laboratories
Classification: Benign. Last evaluated: 2025-07-21. Review status: criteria provided, single submitter. Criteria: ARUP Molecular Germline Variant Investigation Process 2024. Collection method: clinical testing. Allele origin: germline.

Blueprint Genetics
Classification: Likely benign. Last evaluated: 2024-11-28. Review status: criteria provided, single submitter. Criteria: ACMG Guidelines, 2015. Collection method: clinical testing. Allele origin: germline.

Unidad de Genómica Garrahan, Hospital de Pediatría Garrahan
Classification: Benign. Last evaluated: 2024-01-24. Review status: criteria provided, single submitter. Criteria: ACMG Guidelines, 2015. Collection method: clinical testing. Allele origin: germline. Affected: no. Observed: 85 variant alleles.
Comment: This variant is classified as Benign based on local population frequency. This variant was detected in 89% of patients studied by a panel of primary immunodeficiencies. Number of patients: 85. Only high quality variants are reported.

Genome-Nilou Lab
Classification: Benign for Dyskeratosis congenita, autosomal recessive 5. Last evaluated: 2021-07-10. Review status: criteria provided, single submitter. Criteria: ACMG Guidelines, 2015. Collection method: clinical testing. Allele origin: germline. Affected: no.

Genome-Nilou Lab
Classification: Benign for Pulmonary fibrosis and/or bone marrow failure, Telomere-related, 3. Last evaluated: 2021-07-10. Review status: criteria provided, single submitter. Criteria: ACMG Guidelines, 2015. Collection method: clinical testing. Allele origin: germline. Affected: no.

GeneDx
Classification: Benign. Last evaluated: 2018-11-28. Review status: criteria provided, single submitter. Criteria: GeneDx Variant Classification Process June 2021. Collection method: clinical testing. Allele origin: germline. Affected: yes.

Laboratory for Molecular Medicine, Mass General Brigham Personalized Medicine
Classification: Benign. Last evaluated: 2018-03-06. Review status: criteria provided, single submitter. Criteria: LMM Criteria. Collection method: clinical testing. Allele origin: germline. Observed: 1 variant allele.
Comment: The A "variant" is the major allele in the Genome Aggregation Database (gnomAD; dbSNP rs2236506).

Women's Health and Genetics/Laboratory Corporation of America, LabCorp
Classification: Benign. Last evaluated: 2017-07-10. Review status: criteria provided, single submitter. Criteria: LabCorp Variant Classification Summary - May 2015. Collection method: clinical testing. Allele origin: germline.
Comment: Variant summary: The RTEL1 c.2346G>A (p.Ala782Ala) variant involves the alteration of a non-conserved nucleotide, resulting in a synonymous change. One in silico tool predicts a benign outcome for this variant. 5/5 splice prediction tools predict no significant impact on normal splicing. However, these predictions have yet to be confirmed by functional studies. This variant was found in 88140/118930 control chromosomes (33801 homozygotes) at a frequency of 0.7411082, which is approximately 663 times the estimated maximal expected allele frequency of a pathogenic RTEL1 variant (0.001118), indicating the variant is the major allele and is benign. In addition, one clinical diagnostic laboratory classified this variant as benign. Taken together, this variant is classified as benign.

Mayo Clinic Laboratories, Mayo Clinic
Classification: Benign. Last evaluated: 2016-09-21. Review status: criteria provided, single submitter. Criteria: ACMG Guidelines, 2015. Collection method: clinical testing. Allele origin: germline. Observed: 1,126 variant alleles.

Breakthrough Genomics
Classification: Benign. Review status: criteria provided, single submitter. Criteria: ACMG Guidelines, 2015. Collection method: not provided. Allele origin: germline. Inheritance: Autosomal recessive inheritance. Affected: yes.

Natera, Inc.
Classification: Benign for Dyskeratosis congenita. Last evaluated: 2020-09-16. Review status: no assertion criteria provided. Collection method: clinical testing. Allele origin: germline. Not counted in ClinVar's aggregate classification.

Clinical Genetics DNA and cytogenetics Diagnostics Lab, Erasmus MC, Erasmus Medical Center
Classification: Benign. Review status: no assertion criteria provided. Collection method: clinical testing. Allele origin: germline. Affected: yes. Study: VKGL Data-share Consensus. Not counted in ClinVar's aggregate classification.

Joint Genome Diagnostic Labs from Nijmegen and Maastricht, Radboudumc and MUMC+
Classification: Benign. Review status: no assertion criteria provided. Collection method: clinical testing. Allele origin: germline. Affected: yes. Study: VKGL Data-share Consensus. Not counted in ClinVar's aggregate classification.

Literature cited by the submitters: PubMed 23329068 (cited by Women's Health and Genetics/Laboratory Corporation of America, LabCorp).

NM_001283009.2(RTEL1):c.2274G>A (p.Ala758=)

Genes: RTEL1 (regulator of telomere elongation helicase 1; plus strand), RTEL1-TNFRSF6B (RTEL1-TNFRSF6B readthrough (NMD candidate); plus strand). Cytogenetic location: 20q13.33.
Variant type: single nucleotide variant.
Coding change: c.2274G>A on transcript NM_001283009.2 (MANE Select); coding-DNA position 2274, G replaced by A.
Protein change: p.Ala758=; no amino-acid change (alanine 758 retained).
Molecular consequence: synonymous variant. On other transcripts: non-coding transcript variant (1).
Genome position (GRCh38, 1-based): chr20:63,690,302, G>A. VCF-style: chr20-63690302-G-A. GRCh37 (hg19) VCF-style: chr20-62321655-G-A.
Other names: p.Ala782=; c.1605G>A, p.Ala535= (NM_001283010.1); c.2274G>A, p.Ala758= (NM_016434.4); c.2346G>A, p.Ala782= (NM_032957.5).
Identifiers: ClinVar variation 403400 (VCV000403400.29), dbSNP rs2236506, ClinGen allele CA9965265.